The following is an entry in ClinVar:

NM_001374353.1(GLI2):c.4258G>A (p.Gly1420Ser)

Gene: GLI2 (GLI family zinc finger 2; plus strand). Cytogenetic location: 2q14.2.
Variant type: single nucleotide variant.
Coding change: c.4258G>A on transcript NM_001374353.1 (MANE Select); coding-DNA position 4258, G replaced by A.
Protein change: p.Gly1420Ser; replaces glycine 1420 with serine.
Molecular consequence: missense variant.
Genome position (GRCh38, 1-based): chr2:120,990,223, G>A. VCF-style: chr2-120990223-G-A. GRCh37 (hg19) VCF-style: chr2-121747799-G-A.
Other names: c.4309G>A, p.Gly1437Ser (NM_001371271.1, NM_005270.5); c.3883G>A, p.Gly1295Ser (NM_001374354.1); short protein forms G1295S, G1437S, G1420S.
Identifiers: ClinVar variation 800234 (VCV000800234.12), dbSNP rs149163880, ClinGen allele CA1852592.
Genomic context (GRCh38, chr2:120,990,223, plus strand): 5'-CCCAAGGGAGCGATGGGCAACATGGGGTCGGTGCCTCCCCAGCCGCCTCCGCAGGACGCA[G>A]GTGGGGCCCCGGACCACAGCATGCTCTACTACTACGGCCAGATCCACATGTACGAACAGG-3'
Protein context (NP_001361282.1, residues 1410-1430): VPPQPPPQDA[Gly1420Ser]GAPDHSMLYY

ClinVar aggregate classification (germline): Likely benign. Review status: criteria provided, multiple submitters, no conflicts (2 of 4 stars). 3 submissions from 3 submitters: Likely benign (2). 1 of the submissions does not count toward it. Last evaluated 2025-07-10.

Conditions:
Holoprosencephaly 9 (HPE9). Also called: PITUITARY ANOMALIES WITH HOLOPROSENCEPHALY-LIKE FEATURES; HOLOPROSENCEPHALY WITH MICROPHTHALMIA AND FIRST BRANCHIAL ARCH ANOMALIES. Identifiers: Orphanet 2162, MedGen C1835819, MONDO:0012563, OMIM 610829.
Postaxial polydactyly-anterior pituitary anomalies-facial dysmorphism syndrome. Also called: Culler-Jones syndrome. Identifiers: Orphanet 420584, MedGen C4014479, MONDO:0014369, OMIM 615849.
GLI2-related disorder. Also called: GLI2-related condition; GLI2-related disorders.

Allele frequency attached by ClinVar (database versions not stated): ExAC 0.00012; ESP Exome Variant Server 0.00038; TOPMed 0.00039; 1000 Genomes Project 0.00060; 1000 Genomes Project 30x 0.00062.
gnomAD v4.1: 129 of 1,613,600 alleles (0.008%); highest among the groups gnomAD compares: African/African-American, 0.15%; no homozygotes.

Submissions (3):

Labcorp Genetics (formerly Invitae), Labcorp
Classification: Likely benign for Postaxial polydactyly-anterior pituitary anomalies-facial dysmorphism syndrome; Holoprosencephaly 9. Last evaluated: 2025-07-10. Review status: criteria provided, single submitter. Criteria: Invitae Variant Classification Sherloc (09022015). Collection method: clinical testing. Allele origin: germline.

Blueprint Genetics
Classification: Likely benign. Last evaluated: 2021-12-21. Review status: criteria provided, single submitter. Criteria: ACMG Guidelines, 2015. Collection method: clinical testing. Allele origin: germline.

PreventionGenetics, part of Exact Sciences
Classification: Likely benign for GLI2-related condition. Last evaluated: 2022-12-29. Review status: no assertion criteria provided. Collection method: clinical testing. Allele origin: germline. Not counted in ClinVar's aggregate classification.
Comment: This variant is classified as likely benign based on ACMG/AMP sequence variant interpretation guidelines (Richards et al. 2015 PMID: 25741868, with internal and published modifications).